The following is an entry in ClinVar:

NM_005045.4(RELN):c.8651T>C (p.Leu2884Ser)

Genes: SLC26A5-AS1 (SLC26A5 antisense RNA 1; plus strand), RELN (reelin; minus strand). Cytogenetic location: 7q22.1.
Variant type: single nucleotide variant.
Coding change: c.8651T>C on transcript NM_005045.4 (MANE Select); coding-DNA position 8651, T replaced by C.
Protein change: p.Leu2884Ser; replaces leucine 2884 with serine.
Molecular consequence: missense variant.
Genome position (GRCh38, 1-based): chr7:103,500,761, A>G on the plus strand (T>C on the coding strand, the complement: RELN is on the minus strand). VCF-style: chr7-103500761-A-G. GRCh37 (hg19) VCF-style: chr7-103141208-A-G.
Other names: c.8651T>C, p.Leu2884Ser (NM_173054.3); short protein forms L2884S.
Identifiers: ClinVar variation 838227 (VCV000838227.9), dbSNP rs1829000128, ClinGen allele CA368755279.

ClinVar aggregate classification (germline): Uncertain significance (1 of 4 stars; one submission).

Conditions:
Norman-Roberts syndrome (LIS2). Also called: Lissencephaly 2 (Norman-Roberts type). Identifiers: Orphanet 89844, MedGen C0796089, MONDO:0009760, OMIM 257320.
Familial temporal lobe epilepsy 7. Identifiers: Orphanet 101046, MedGen C4225327, MONDO:0014639, OMIM 616436.

Submission:

Labcorp Genetics (formerly Invitae), Labcorp
Classification: Uncertain significance for Familial temporal lobe epilepsy 7; Norman-Roberts syndrome. Last evaluated: 2019-05-02. Review status: criteria provided, single submitter. Criteria: Invitae Variant Classification Sherloc (09022015). Collection method: clinical testing. Allele origin: germline.
Comment: In summary, the available evidence is currently insufficient to determine the role of this variant in disease. Therefore, it has been classified as a Variant of Uncertain Significance. Algorithms developed to predict the effect of missense changes on protein structure and function are either unavailable or do not agree on the potential impact of this missense change (SIFT: "Deleterious"; PolyPhen-2: "Probably Damaging"; Align-GVGD: "Class C0"). This variant has not been reported in the literature in individuals with RELN-related conditions. This variant is not present in population databases (ExAC no frequency). This sequence change replaces leucine with serine at codon 2884 of the RELN protein (p.Leu2884Ser). The leucine residue is moderately conserved and there is a large physicochemical difference between leucine and serine.